The following is an entry in ClinVar:

NM_000516.7(GNAS):c.140G>A (p.Gly47Asp)

Gene: GNAS (GNAS complex locus; plus strand). Cytogenetic location: 20q13.32.
Variant type: single nucleotide variant.
Coding change: c.140G>A on transcript NM_000516.7 (MANE Select); coding-DNA position 140, G replaced by A.
Protein change: p.Gly47Asp; replaces glycine 47 with aspartic acid.
Molecular consequence: missense variant. On other transcripts: 3 prime UTR variant (3), 5 prime UTR variant (2), non-coding transcript variant (2).
Genome position (GRCh38, 1-based): chr20:58,895,612, G>A. VCF-style: chr20-58895612-G-A. GRCh37 (hg19) VCF-style: chr20-57470667-G-A.
Other names: c.140G>A, p.Gly47Asp (NM_001077488.5, NM_001077489.4, NM_001309842.2 and 1 more transcripts); c.*1G>A (NM_001077490.3); c.-38G>A (NM_001309840.2, NM_001309861.2); c.*159G>A (NM_001309883.1); c.44G>A, p.Gly15Asp (NM_001410912.1); c.2069G>A, p.Gly690Asp (NM_001410913.1, NM_080425.4); c.*43G>A (NM_016592.5); short protein forms G15D, G47D, G690D.
Identifiers: ClinVar variation 3027465 (VCV003027465.1), dbSNP rs2516902294, ClinGen allele CA409449536.
Genomic context (GRCh38, chr20:58,895,612, plus strand): 5'-TCCCTGCCCAAAGTGTTAAAATGCCTCCTTCATAACCTGAGACTTACTTTCATTTTCTAG[G>A]TGCTGGAGAATCTGGTAAAAGCACCATTGTGAAGCAGATGAGGATCCTGCATGTTAATGG-3'
Protein context (NP_000507.1, residues 37-57): YRATHRLLLL[Gly47Asp]AGESGKSTIV

ClinVar aggregate classification (germline): Likely pathogenic (1 of 4 stars; one submission).

Submission:

Human Genetics Bochum, Ruhr University Bochum
Classification: Likely pathogenic. Last evaluated: 2023-11-16. Review status: criteria provided, single submitter. Criteria: ACMG Guidelines, 2015. Collection method: clinical testing. Allele origin: germline. Affected: yes.
Comment: ACMG criteria used to clasify this variant: PP3_STR, PS2_SUP, PS4_SUP, PM2_SUP

Literature cited by the submitters: PubMed 29059381.